The following is an entry in ClinVar:

NM_000051.4(ATM):c.8395_8404dup (p.Gln2802fs)

Genes: ATM (ATM serine/threonine kinase; plus strand), C11orf65 (chromosome 11 open reading frame 65; minus strand). Cytogenetic location: 11q22.3.
Variant type: Microsatellite.
Coding change: c.8395_8404dup on transcript NM_000051.4 (MANE Select); coding-DNA positions 8395 to 8404, 10 bases duplicated (TTTCAGTGCC; older notation c.8395_8404dupTTTCAGTGCC).
Protein change: p.Gln2802fs; shifts the reading frame from glutamine 2802.
Molecular consequence: frameshift variant. On other transcripts: intron variant (2).
Genome position (GRCh38, 1-based): chr11:108,343,348-108,343,357, TTTCAGTGCC duplicated; duplicating any 10 consecutive bases within chr11:108,343,338-108,343,357 gives the same sequence; the c. name uses the placement nearest the transcript's 3' end. VCF-style (leftmost placement, unchanged base first): chr11-108343337-A-ATTTCAGTGCC. GRCh37 (hg19) VCF-style: chr11-108214064-A-ATTTCAGTGCC.
Other names: c.8395_8404dup, p.Gln2802fs (NM_001351834.2); c.641-34286GGCACTGAAA[3] (NM_001330368.2); c.695-8065GGCACTGAAA[3] (NM_001351110.2); short protein forms Q2802fs.
Identifiers: ClinVar variation 1072378 (VCV001072378.9), dbSNP rs786202800, ClinGen allele CA2580615033.

ClinVar aggregate classification (germline): Pathogenic/Likely pathogenic. Review status: criteria provided, multiple submitters, no conflicts (2 of 4 stars). 2 submissions from 2 submitters: Pathogenic (1); Likely pathogenic (1). Last evaluated 2023-06-06.

Conditions:
Ataxia-telangiectasia syndrome (AT). Also called: Ataxia telangiectasia (A-T); ATAXIA-TELANGIECTASIA, COMPLEMENTATION GROUP A; ATAXIA-TELANGIECTASIA, FRESNO VARIANT; Ataxia-telangiectasia; Ataxia-telangiectasia, complementation group E; LOUIS-BAR SYNDROME. Identifiers: Orphanet 100, MedGen C0004135, MONDO:0008840, OMIM 208900.
Familial cancer of breast. Also called: Hereditary breast cancer; hereditary breast carcinoma; BREAST CANCER, FAMILIAL. Identifiers: Orphanet 227535, MedGen C0346153, MONDO:0016419, OMIM 114480. Disease mechanism: loss of function.

Submissions (2):

Baylor Genetics
Classification: Likely pathogenic for Familial cancer of breast. Last evaluated: 2023-06-06. Review status: criteria provided, single submitter. Criteria: ACMG Guidelines, 2015. Collection method: clinical testing. Allele origin: unknown.

Labcorp Genetics (formerly Invitae), Labcorp
Classification: Pathogenic for Ataxia-telangiectasia syndrome. Last evaluated: 2021-07-19. Review status: criteria provided, single submitter. Criteria: Invitae Variant Classification Sherloc (09022015). Collection method: clinical testing. Allele origin: germline.
Comment: This sequence change creates a premature translational stop signal (p.Gln2802Leufs*16) in the ATM gene. It is expected to result in an absent or disrupted protein product. Loss-of-function variants in ATM are known to be pathogenic (PMID: 23807571, 25614872). This variant is not present in population databases (ExAC no frequency). This variant has not been reported in the literature in individuals affected with ATM-related conditions. Algorithms developed to predict the effect of sequence changes on RNA splicing suggest that this variant may create or strengthen a splice site. For these reasons, this variant has been classified as Pathogenic.

Literature cited by the submitters: PubMed 23807571 (cited by Labcorp Genetics (formerly Invitae), Labcorp); PubMed 25614872 (cited by Labcorp Genetics (formerly Invitae), Labcorp).